The following is an entry in ClinVar:

NM_006245.4(PPP2R5D):c.930C>T (p.Gly310=)

Gene: PPP2R5D (protein phosphatase 2 regulatory subunit B'delta; plus strand). Cytogenetic location: 6p21.1.
Variant type: single nucleotide variant.
Coding change: c.930C>T on transcript NM_006245.4 (MANE Select); coding-DNA position 930, C replaced by T.
Protein change: p.Gly310=; no amino-acid change (glycine 310 retained).
Molecular consequence: synonymous variant.
Genome position (GRCh38, 1-based): chr6:43,008,379, C>T. VCF-style: chr6-43008379-C-T. GRCh37 (hg19) VCF-style: chr6-42976117-C-T.
Other names: p.Gly310=; c.477C>T, p.Gly159= (NM_001270476.2); c.834C>T, p.Gly278= (NM_180976.3); c.612C>T, p.Gly204= (NM_180977.3).
Identifiers: ClinVar variation 1197282 (VCV001197282.8), dbSNP rs777042845, ClinGen allele CA3811956.
Genomic context (GRCh38, chr6:43,008,379, plus strand): 5'-AACTTGGATCTGACCCTCTGGTCCTAACAAATGTCCCTTAATTCCTAGCATCATCAATGG[C>T]TTTGCCCTGCCCCTTAAAGAAGAGCACAAGATGTTCCTCATCCGTGTCCTACTTCCCCTT-3'
Protein context (NP_006236.1, residues 300-320): LLEILGSIIN[Gly310=]FALPLKEEHK

ClinVar aggregate classification (germline): Likely benign. Review status: criteria provided, multiple submitters, no conflicts (2 of 4 stars). 3 submissions from 3 submitters: Likely benign (3). Last evaluated 2025-07-30.

Allele frequency attached by ClinVar (database versions not stated): gnomAD 0.00001; gnomAD exomes 0.00002; TOPMed 0.00002; ExAC 0.00005.

Submissions (3):

Labcorp Genetics (formerly Invitae), Labcorp
Classification: Likely benign. Last evaluated: 2025-07-30. Review status: criteria provided, single submitter. Criteria: Invitae Variant Classification Sherloc (09022015). Collection method: clinical testing. Allele origin: germline.

Mayo Clinic Laboratories, Mayo Clinic
Classification: Likely benign. Last evaluated: 2025-03-11. Review status: criteria provided, single submitter. Criteria: ACMG Guidelines, 2015. Collection method: clinical testing. Allele origin: germline. Observed: 1 variant allele.
Comment: BS2, BP4, BP7

GeneDx
Classification: Likely benign. Last evaluated: 2020-12-11. Review status: criteria provided, single submitter. Criteria: GeneDx Variant Classification Process June 2021. Collection method: clinical testing. Allele origin: germline. Affected: yes.